The following is an entry in ClinVar:

NM_006662.3(SRCAP):c.1106C>T (p.Ala369Val)

Gene: SRCAP (Snf2 related CREBBP activator protein; plus strand). Cytogenetic location: 16p11.2.
Variant type: single nucleotide variant.
Coding change: c.1106C>T on transcript NM_006662.3 (MANE Select); coding-DNA position 1106, C replaced by T.
Protein change: p.Ala369Val; replaces alanine 369 with valine.
Molecular consequence: missense variant.
Genome position (GRCh38, 1-based): chr16:30,710,100, C>T. VCF-style: chr16-30710100-C-T. GRCh37 (hg19) VCF-style: chr16-30721421-C-T.
Other names: short protein forms A369V.
Identifiers: ClinVar variation 4821565 (VCV004821565.4).
Genomic context (GRCh38, chr16:30,710,100, plus strand): 5'-GCCCCTCTCAAACCCCCTCATCTCATGATAGTGACACCCGAGATGGGCCTGAAGAAGGTG[C>T]TGAAGAAGAGCCCCCTCAGGTGTTGGAGGTATAGGCAGAAGGAGCAGAGGGAGGGTTCAG-3'
Protein context (NP_006653.2, residues 359-379): SDTRDGPEEG[Ala369Val]EEEPPQVLEI

ClinVar aggregate classification (germline): Likely benign (1 of 4 stars; one submission).

gnomAD v4.1: 16 of 1,613,898 alleles (0.00099%); highest among the groups gnomAD compares: Middle Eastern, 0.016%; no homozygotes.

Submission:

CeGaT Center for Human Genetics Tuebingen
Classification: Likely benign. Last evaluated: 2026-03-01. Review status: criteria provided, single submitter. Criteria: CeGaT Center For Human Genetics Tuebingen Variant Classification Criteria Version 2. Collection method: clinical testing. Allele origin: germline. Affected: yes. Observed: 1 variant allele.
Comment: SRCAP: BP4